The following is an entry in ClinVar:

ClinVar aggregate classification (germline): Likely benign. Review status: criteria provided, single submitter (1 of 4 stars). 2 submissions from 2 submitters: Likely benign (1). 1 of the submissions does not count toward it. Last evaluated 2022-08-10.

Conditions:
LRTOMT-related disorder. Also called: LRTOMT-related condition.

Allele frequency attached by ClinVar (database versions not stated): ExAC 0.00007; gnomAD 0.00007; gnomAD exomes 0.00002; TOPMed 0.00007; 1000 Genomes Project 30x 0.00016; 1000 Genomes Project 0.00020.
gnomAD v4.1: 24 of 1,540,166 alleles (0.0016%); highest among the groups gnomAD compares: African/African-American, 0.029%; 1 homozygote.

Submissions (2):

Labcorp Genetics (formerly Invitae), Labcorp
Classification: Likely benign. Last evaluated: 2022-08-10. Review status: criteria provided, single submitter. Criteria: Invitae Variant Classification Sherloc (09022015). Collection method: clinical testing. Allele origin: germline.

PreventionGenetics, part of Exact Sciences
Classification: Likely benign for LRTOMT-related condition. Last evaluated: 2023-09-06. Review status: no assertion criteria provided. Collection method: clinical testing. Allele origin: germline. Not counted in ClinVar's aggregate classification.
Comment: This variant is classified as likely benign based on ACMG/AMP sequence variant interpretation guidelines (Richards et al. 2015 PMID: 25741868, with internal and published modifications).

NM_001145308.5(LRTOMT):c.861T>C (p.Tyr287=)

Genes: ANAPC15 (anaphase promoting complex subunit 15; minus strand), LRTOMT (leucine rich transmembrane and O-methyltransferase domain containing; plus strand), TOMT (transmembrane O-methyltransferase; plus strand). Cytogenetic location: 11q13.4.
Variant type: single nucleotide variant.
Coding change: c.861T>C on transcript NM_001145308.5; coding-DNA position 861, T replaced by C.
Protein change: p.Tyr287=; no amino-acid change (tyrosine 287 retained).
Molecular consequence: synonymous variant. On other transcripts: intron variant (10).
Genome position (GRCh38, 1-based): chr11:72,108,910, T>C. VCF-style: chr11-72108910-T-C. GRCh37 (hg19) VCF-style: chr11-71819956-T-C.
Other names: c.762T>C, p.Tyr254= (NM_001393500.2); c.861T>C, p.Tyr287= (NM_001145309.4); c.741T>C, p.Tyr247= (NM_001145310.4); c.63+1178A>G (NM_001393459.1); c.318+1178A>G (NM_001393430.1, NM_001393429.1, NM_001393428.1 and 3 more transcripts); c.319-35A>G (NM_001393443.1, NM_001393445.1, NM_001393444.1).
Identifiers: ClinVar variation 1670178 (VCV001670178.10), dbSNP rs530987072, ClinGen allele CA6168650.